The following is an entry in ClinVar:

ClinVar aggregate classification (germline): Likely pathogenic (1 of 4 stars; one submission).

Conditions:
Autosomal recessive limb-girdle muscular dystrophy type 2J (LGMDR10). Also called: Limb-girdle muscular dystrophy, type 2J; MUSCULAR DYSTROPHY, LIMB-GIRDLE, AUTOSOMAL RECESSIVE 10. Identifiers: Orphanet 140922, MedGen C1837342, MONDO:0012127, OMIM 608807.
Dilated cardiomyopathy 1G (CMD1G). Identifiers: Orphanet 154, MedGen C1858763, MONDO:0011400, OMIM 604145.

Submission:

Labcorp Genetics (formerly Invitae), Labcorp
Classification: Likely pathogenic for Dilated cardiomyopathy 1G; Autosomal recessive limb-girdle muscular dystrophy type 2J. Last evaluated: 2025-09-30. Review status: criteria provided, single submitter. Criteria: Invitae Variant Classification Sherloc (09022015). Collection method: clinical testing. Allele origin: germline.
Comment: This sequence change creates a premature translational stop signal (p.Asn19911Ilefs*31) in the TTN gene. While this is not anticipated to result in nonsense mediated decay, it is expected to create a truncated TTN protein. This variant is not present in population databases (gnomAD no frequency). This variant has not been reported in the literature in individuals affected with TTN-related conditions. ClinVar contains an entry for this variant (Variation ID: 2953401). This variant is located in the A band of TTN (PMID: 25589632). Truncating variants in this region are significantly overrepresented in patients affected with dilated cardiomyopathy (PMID: 25589632). Truncating variants in this region have also been reported in individuals affected with autosomal recessive centronuclear myopathy (PMID: 23975875). In summary, the currently available evidence indicates that the variant is pathogenic, but additional data are needed to prove that conclusively. Therefore, this variant has been classified as Likely Pathogenic.

Literature cited by the submitters: PubMed 25589632; PubMed 23975875.

NM_001267550.2(TTN):c.59730del (p.Asn19911fs)

Genes: TTN (titin; minus strand), TTN-AS1 (TTN antisense RNA 1; plus strand), LOC126806424 (CDK7 strongly-dependent group 2 enhancer GRCh37_chr2:179456337-179457536; plus strand). Cytogenetic location: 2q31.2.
Variant type: Deletion.
Coding change: c.59730del on transcript NM_001267550.2 (MANE Select); coding-DNA position 59730, one base deleted (C; older notation c.59730delC).
Protein change: p.Asn19911fs; shifts the reading frame from asparagine 19911.
Molecular consequence: frameshift variant.
Genome position (GRCh38, 1-based): chr2:178,592,174, G deleted on the plus strand (C on the coding strand, the reverse complement: TTN is on the minus strand); the first of 2 consecutive G bases (chr2:178,592,174-178,592,175); deleting either gives the same sequence. VCF-style (leftmost placement, unchanged base first): chr2-178592173-TG-T. GRCh37 (hg19) VCF-style: chr2-179456900-TG-T.
Other names: c.54807del, p.Asn18270fs (NM_001256850.1); c.32535del, p.Asn10846fs (NM_003319.4); c.52026del, p.Asn17343fs (NM_133378.4); c.32910del, p.Asn10971fs (NM_133432.3); c.33111del, p.Asn11038fs (NM_133437.4); short protein forms N10971fs, N18270fs, N19911fs, N10846fs, N17343fs, N11038fs.
Identifiers: ClinVar variation 2953401 (VCV002953401.3), dbSNP rs2469515615, ClinGen allele CA2740096108.